The following is an entry in ClinVar:

NM_182925.5(FLT4):c.2853G>C (p.Glu951Asp)

Gene: FLT4 (fms related receptor tyrosine kinase 4; minus strand). Cytogenetic location: 5q35.3.
Variant type: single nucleotide variant.
Coding change: c.2853G>C on transcript NM_182925.5 (MANE Select); coding-DNA position 2853, G replaced by C.
Protein change: p.Glu951Asp; replaces glutamic acid 951 with aspartic acid.
Molecular consequence: missense variant.
Genome position (GRCh38, 1-based): chr5:180,618,918, C>G on the plus strand (G>C on the coding strand, the complement: FLT4 is on the minus strand). VCF-style: chr5-180618918-C-G. GRCh37 (hg19) VCF-style: chr5-180045918-C-G.
Other names: c.2853G>C, p.Glu951Asp (NM_001354989.2, NM_002020.5); short protein forms E951D.
Identifiers: ClinVar variation 4532498 (VCV004532498.1).
Genomic context (GRCh38, chr5:180,618,918, plus strand): 5'-CCGATCCAGCCTGGCGAGCTCCACCATGGCGCGGAAGCGTCCGCGCTGCTCGGGAGACTT[C>G]TCCTGCGGATGCACGAAGCTGGCTCGAGGGCGCCCAGTCGTCCGCCGCAGAGGCGCCTCC-3'
Protein context (NP_891555.2, residues 941-961): AKRDAFSPCA[Glu951Asp]KSPEQRGRFR

ClinVar aggregate classification (germline): Uncertain significance (1 of 4 stars; one submission).

Submission:

GeneDx
Classification: Uncertain significance. Last evaluated: 2025-05-22. Review status: criteria provided, single submitter. Criteria: GeneDx Variant Classification Process June 2021. Collection method: clinical testing. Allele origin: germline. Affected: yes.
Comment: Not observed at significant frequency in large population cohorts (gnomAD); In silico analysis suggests that this missense variant does not alter protein structure/function; Has not been previously published as pathogenic or benign to our knowledge; This variant is associated with the following publications: (PMID: 10835628, 11114740)